The following is an entry in ClinVar:

ClinVar aggregate classification (germline): Uncertain significance (1 of 4 stars; one submission).

Conditions:
Hereditary cancer-predisposing syndrome. Also called: Tumor predisposition; Neoplastic Syndromes, Hereditary; Hereditary neoplastic syndrome; Hereditary Cancer Syndrome. Identifiers: Orphanet 140162, MedGen C0027672, MeSH D009386, MONDO:0015356.

Submission:

Ambry Genetics
Classification: Uncertain significance for Hereditary cancer-predisposing syndrome. Last evaluated: 2025-08-27. Review status: criteria provided, single submitter. Criteria: Ambry Variant Classification Scheme 2023. Collection method: clinical testing. Allele origin: germline.
Comment: The p.V466E variant (also known as c.1397T>A), located in coding exon 14 of the MUTYH gene, results from a T to A substitution at nucleotide position 1397. The valine at codon 466 is replaced by glutamic acid, an amino acid with dissimilar properties. This amino acid position is conserved. In addition, the in silico prediction for this alteration is inconclusive. Based on the available evidence, the clinical significance of this variant remains unclear.

NM_001048174.2(MUTYH):c.1313T>A (p.Val438Glu)

Gene: MUTYH (mutY DNA glycosylase; minus strand). Cytogenetic location: 1p34.1.
Variant type: single nucleotide variant.
Coding change: c.1313T>A on transcript NM_001048174.2 (MANE Select); coding-DNA position 1313, T replaced by A.
Protein change: p.Val438Glu; replaces valine 438 with glutamic acid.
Molecular consequence: missense variant. On other transcripts: non-coding transcript variant (7).
Genome position (GRCh38, 1-based): chr1:45,331,261, A>T on the plus strand (T>A on the coding strand, the complement: MUTYH is on the minus strand). VCF-style: chr1-45331261-A-T. GRCh37 (hg19) VCF-style: chr1-45796933-A-T.
Other names: c.1313T>A, p.Val438Glu (NM_001293195.2, NM_001407081.1, NM_001407088.1 and 6 more transcripts); c.1037T>A, p.Val346Glu (NM_001293196.2, NM_001407091.1, NM_001293192.2); c.968T>A, p.Val323Glu (NM_001350650.2, NM_001350651.2, NM_001407082.1); c.1346T>A, p.Val449Glu (NM_001407069.1, NM_001407077.1, NM_001293191.2); c.1355T>A, p.Val452Glu (NM_001407083.1, NM_001407085.1); c.1316T>A, p.Val439Glu (NM_001407086.1, NM_001048172.2, NM_001407071.1 and 1 more transcripts); c.1334T>A, p.Val445Glu (NM_001407087.1); c.1229T>A, p.Val410Glu (NM_001407075.1); and 5 more; short protein forms V323E, V439E, V453E, V463E, V466E, V346E, V410E, V424E.
Identifiers: ClinVar variation 4113215 (VCV004113215.1).